The following is an entry in ClinVar:

ClinVar aggregate classification (germline): Pathogenic (1 of 4 stars; one submission).

Conditions:
Neuromuscular disease caused by qualitative or quantitative defects of dysferlin. Also called: Qualitative or quantitative defects of dysferlin; Dysferlinopathy. Identifiers: Orphanet 207073, MedGen C2931687, MONDO:0016145.

Submission:

Labcorp Genetics (formerly Invitae), Labcorp
Classification: Pathogenic for Neuromuscular disease caused by qualitative or quantitative defects of dysferlin. Last evaluated: 2025-12-17. Review status: criteria provided, single submitter. Criteria: Invitae Variant Classification Sherloc (09022015). Collection method: clinical testing. Allele origin: germline.
Comment: This sequence change creates a premature translational stop signal (p.Arg1375Glyfs*15) in the DYSF gene. It is expected to result in an absent or disrupted protein product. Loss-of-function variants in DYSF are known to be pathogenic (PMID: 17698709, 20301480). This variant is not present in population databases (gnomAD no frequency). This variant has not been reported in the literature in individuals affected with DYSF-related conditions. ClinVar contains an entry for this variant (Variation ID: 1071822). For these reasons, this variant has been classified as Pathogenic.

Literature cited by the submitters: PubMed 17698709; PubMed 20301480.

NM_001130987.2(DYSF):c.4177del (p.Arg1393fs)

Gene: DYSF (dysferlin; plus strand). Cytogenetic location: 2p13.2.
Variant type: Deletion.
Coding change: c.4177del on transcript NM_001130987.2 (MANE Select); coding-DNA position 4177, one base deleted (C; older notation c.4177delC).
Protein change: p.Arg1393fs; shifts the reading frame from arginine 1393.
Molecular consequence: frameshift variant.
Genome position (GRCh38, 1-based): chr2:71,611,582, C deleted; the last of 2 consecutive C bases (chr2:71,611,581-71,611,582); deleting either gives the same sequence. VCF-style (leftmost placement, unchanged base first): chr2-71611580-TC-T. GRCh37 (hg19) VCF-style: chr2-71838710-TC-T.
Other names: c.4126del, p.Arg1376fs (NM_001130455.2, NM_001130983.2); c.4081del, p.Arg1361fs (NM_001130976.2, NM_001130977.2); c.4123del, p.Arg1375fs (NM_001130978.2, NM_003494.4); c.4216del, p.Arg1406fs (NM_001130979.2); c.4174del, p.Arg1392fs (NM_001130980.2, NM_001130981.2); c.4219del, p.Arg1407fs (NM_001130982.2); c.4084del, p.Arg1362fs (NM_001130984.2, NM_001130986.2); c.4177del, p.Arg1393fs (NM_001130985.2); short protein forms R1361fs, R1362fs, R1375fs, R1376fs, R1392fs, R1393fs, R1406fs, R1407fs.
Identifiers: ClinVar variation 1071822 (VCV001071822.7), dbSNP rs2152875407, ClinGen allele CA2499216218.